The following is an entry in ClinVar:

NM_005475.3(SH2B3):c.118G>C (p.Glu40Gln)

Gene: SH2B3 (SH2B adaptor protein 3; plus strand). Cytogenetic location: 12q24.12.
Variant type: single nucleotide variant.
Coding change: c.118G>C on transcript NM_005475.3 (MANE Select); coding-DNA position 118, G replaced by C.
Protein change: p.Glu40Gln; replaces glutamic acid 40 with glutamine.
Molecular consequence: missense variant.
Genome position (GRCh38, 1-based): chr12:111,418,263, G>C. VCF-style: chr12-111418263-G-C. GRCh37 (hg19) VCF-style: chr12-111856067-G-C.
Other names: short protein forms E40Q.
Identifiers: ClinVar variation 4164007 (VCV004164007.1).
Genomic context (GRCh38, chr12:111,418,263, plus strand): 5'-GCGGCGGCCCCGCGGGGCTGGAGCGAGTTCTGTGAGTTGCACGCCGTAGCGGCGGCCCGG[G>C]AGCTGGCCCGCCAGTACTGGCTGTTCGCCCGGGAGCATCCGCAGCACGCGCCGCTGCGCG-3'
Protein context (NP_005466.1, residues 30-50): CELHAVAAAR[Glu40Gln]LARQYWLFAR

ClinVar aggregate classification (germline): Uncertain significance (1 of 4 stars; one submission).

Conditions:
Inborn genetic diseases. Identifiers: MedGen C0950123, MeSH D030342.

gnomAD v4.1: 1 of 1,531,908 alleles (0.000065%); highest among the groups gnomAD compares: East Asian, 0.0025%; no homozygotes.

Submission:

Ambry Genetics
Classification: Uncertain significance for Inborn genetic diseases. Last evaluated: 2025-08-25. Review status: criteria provided, single submitter. Criteria: Ambry Variant Classification Scheme 2023. Collection method: clinical testing. Allele origin: germline.
Comment: The p.E40Q variant (also known as c.118G>C), located in coding exon 1 of the SH2B3 gene, results from a G to C substitution at nucleotide position 118. The glutamic acid at codon 40 is replaced by glutamine, an amino acid with highly similar properties. This amino acid position is conserved. In addition, this alteration is predicted to be tolerated by in silico analysis. Based on the available evidence, the clinical significance of this variant remains unclear.